The following is an entry in ClinVar:

NM_001032283.3(TMPO):c.565+1356C>T

Gene: TMPO (thymopoietin; plus strand). Cytogenetic location: 12q23.1.
Variant type: single nucleotide variant.
Coding change: c.565+1356C>T on transcript NM_001032283.3 (MANE Select); 1356 bases into the intron after coding-DNA position 565, C replaced by T.
Molecular consequence: intron variant. On other transcripts: synonymous variant (1).
Genome position (GRCh38, 1-based): chr12:98,533,194, C>T. VCF-style: chr12-98533194-C-T. GRCh37 (hg19) VCF-style: chr12-98926972-C-T.
Other names: c.937C>T, p.Leu313= (NM_003276.2); c.565+1356C>T (NM_001307975.2, NM_001032284.3).
Identifiers: ClinVar variation 514148 (VCV000514148.3), dbSNP rs139512723, ClinGen allele CA6732316.

ClinVar aggregate classification (germline): Likely benign. Review status: criteria provided, multiple submitters, no conflicts (2 of 4 stars). 2 submissions from 2 submitters: Likely benign (2). Last evaluated 2020-08-09.

Allele frequency attached by ClinVar (database versions not stated): gnomAD exomes below 0.00001 and 0.00002; gnomAD 0.00002; ExAC 0.00003; TOPMed 0.00003; ESP Exome Variant Server 0.00008.
gnomAD v4.1: 10 of 1,614,004 alleles (0.00062%); highest among the groups gnomAD compares: Non-Finnish European, 0.00076%; no homozygotes.

Submissions (2):

Ambry Genetics
Classification: Likely benign. Last evaluated: 2020-08-09. Review status: criteria provided, single submitter. Criteria: Ambry Variant Classification Scheme 2023. Collection method: clinical testing. Allele origin: germline.

GeneDx
Classification: Likely benign. Last evaluated: 2017-12-15. Review status: criteria provided, single submitter. Criteria: GeneDx Variant Classification (06012015). Collection method: clinical testing. Allele origin: germline. Affected: yes.
Comment: This variant is considered likely benign or benign based on one or more of the following criteria: it is a conservative change, it occurs at a poorly conserved position in the protein, it is predicted to be benign by multiple in silico algorithms, and/or has population frequency not consistent with disease.